The following is an entry in ClinVar:

NM_001040142.2(SCN2A):c.2940C>G (p.Ala980=)

Gene: SCN2A (sodium voltage-gated channel alpha subunit 2; plus strand). Cytogenetic location: 2q24.3.
Variant type: single nucleotide variant.
Coding change: c.2940C>G on transcript NM_001040142.2 (MANE Select); coding-DNA position 2940, C replaced by G.
Protein change: p.Ala980=; no amino-acid change (alanine 980 retained).
Molecular consequence: synonymous variant.
Genome position (GRCh38, 1-based): chr2:165,354,212, C>G. VCF-style: chr2-165354212-C-G. GRCh37 (hg19) VCF-style: chr2-166210722-C-G.
Other names: c.2940C>G, p.Ala980= (NM_001040143.2, NM_001371246.1, NM_001371247.1 and 1 more transcripts).
Identifiers: ClinVar variation 728372 (VCV000728372.30), dbSNP rs1574664203, ClinGen allele CA429885591.

ClinVar aggregate classification (germline): Conflicting classifications of pathogenicity. Review status: criteria provided, conflicting classifications (1 of 4 stars). 2 submissions from 2 submitters: Uncertain significance (1); Likely benign (1). Last evaluated 2024-10-16.

Conditions:
Seizures, benign familial infantile, 3 (BFIS3). Also called: Familial neonatal seizures; CONVULSIONS, BENIGN FAMILIAL INFANTILE, 3. Identifiers: Orphanet 140927, Orphanet 306, MedGen C1843140, MONDO:0011904, OMIM 607745.
Developmental and epileptic encephalopathy, 11 (DEE11). Also called: Early infantile epileptic encephalopathy 11. Identifiers: Orphanet 1934, MedGen C3150987, MONDO:0013388, OMIM 613721.

Allele frequency attached by ClinVar (database versions not stated): gnomAD exomes 0.00001.
gnomAD v4.1: 15 of 1,613,920 alleles (0.00093%); highest among the groups gnomAD compares: Non-Finnish European, 0.0013%; no homozygotes.

Submissions (2):

Labcorp Genetics (formerly Invitae), Labcorp
Classification: Likely benign for Seizures, benign familial infantile, 3; Developmental and epileptic encephalopathy, 11. Last evaluated: 2024-10-16. Review status: criteria provided, single submitter. Criteria: Invitae Variant Classification Sherloc (09022015). Collection method: clinical testing. Allele origin: germline.

CeGaT Center for Human Genetics Tuebingen
Classification: Uncertain significance. Last evaluated: 2022-09-01. Review status: criteria provided, single submitter. Criteria: CeGaT Center For Human Genetics Tuebingen Variant Classification Criteria Version 2. Collection method: clinical testing. Allele origin: germline. Affected: yes. Observed: 1 variant allele.
Comment: SCN2A: PM2:Supporting, BP4